The following is an entry in ClinVar:

ClinVar aggregate classification (germline): Benign/Likely benign. Review status: criteria provided, multiple submitters, no conflicts (2 of 4 stars). 5 submissions from 5 submitters: Benign (3); Likely benign (1). 1 of the submissions does not count toward it. Last evaluated 2026-01-19.

Conditions:
HMCN1-related disorder. Also called: HMCN1-related condition.
Age related macular degeneration 1 (ARMD1). Also called: MACULOPATHY, AGE-RELATED, 1. Identifiers: MedGen C1864205, MONDO:0011285, OMIM 603075.

Allele frequency attached by ClinVar (database versions not stated): gnomAD exomes 0.00043 and 0.00119; ExAC 0.00140; 1000 Genomes Project 0.00399; 1000 Genomes Project 30x 0.00406; gnomAD 0.00432 and 0.00463; TOPMed 0.00521; ESP Exome Variant Server 0.00554.
gnomAD v4.1: 1,320 of 1,614,128 alleles (0.082%); highest among the groups gnomAD compares: African/African-American, 1.5%; 12 homozygotes.

Submissions (5):

Labcorp Genetics (formerly Invitae), Labcorp
Classification: Benign. Last evaluated: 2026-01-19. Review status: criteria provided, single submitter. Criteria: Invitae Variant Classification Sherloc (09022015). Collection method: clinical testing. Allele origin: germline.

Blueprint Genetics
Classification: Likely benign. Last evaluated: 2024-11-14. Review status: criteria provided, single submitter. Criteria: ACMG Guidelines, 2015. Collection method: clinical testing. Allele origin: germline.

Genome-Nilou Lab
Classification: Benign for Age related macular degeneration 1. Last evaluated: 2023-04-11. Review status: criteria provided, single submitter. Criteria: ACMG Guidelines, 2015. Collection method: clinical testing. Allele origin: germline. Affected: no.

Illumina Laboratory Services, Illumina
Classification: Benign for Age related macular degeneration 1. Last evaluated: 2018-01-12. Review status: criteria provided, single submitter. Criteria: ICSL Variant Classification Criteria 13 December 2019. Collection method: clinical testing. Allele origin: germline.
Comment: This variant was observed in the ICSL laboratory as part of a predisposition screen in an ostensibly healthy population. It had not been previously curated by ICSL or reported in the Human Gene Mutation Database (HGMD: prior to June 1st, 2018), and was therefore a candidate for classification through an automated scoring system. Utilizing variant allele frequency, disease prevalence and penetrance estimates, and inheritance mode, an automated score was calculated to assess if this variant is too frequent to cause the disease. Based on the score and internal cut-off values, a variant classified as benign is not then subjected to further curation. The score for this variant resulted in a classification of benign for this disease.

PreventionGenetics, part of Exact Sciences
Classification: Benign for HMCN1-related condition. Last evaluated: 2019-06-07. Review status: no assertion criteria provided. Collection method: clinical testing. Allele origin: germline. Not counted in ClinVar's aggregate classification.
Comment: This variant is classified as benign based on ACMG/AMP sequence variant interpretation guidelines (Richards et al. 2015 PMID: 25741868, with internal and published modifications).

NM_031935.3(HMCN1):c.15063C>T (p.Tyr5021=)

Gene: HMCN1 (hemicentin 1; plus strand). Cytogenetic location: 1q31.1.
Variant type: single nucleotide variant.
Coding change: c.15063C>T on transcript NM_031935.3 (MANE Select); coding-DNA position 15063, C replaced by T.
Protein change: p.Tyr5021=; no amino-acid change (tyrosine 5021 retained).
Molecular consequence: synonymous variant.
Genome position (GRCh38, 1-based): chr1:186,153,794, C>T. VCF-style: chr1-186153794-C-T. GRCh37 (hg19) VCF-style: chr1-186122926-C-T.
Identifiers: ClinVar variation 294283 (VCV000294283.17), dbSNP rs114051074, ClinGen allele CA1295148.